The following is an entry in ClinVar:

ClinVar aggregate classification (germline): Benign (0 of 4 stars; one submission).

Conditions:
MIAT-related disorder. Also called: MIAT-related condition.

Allele frequency attached by ClinVar (database versions not stated): gnomAD 0.10447; gnomAD exomes 0.12268; 1000 Genomes Project 30x 0.08339; 1000 Genomes Project 0.08566; TOPMed 0.09872.
gnomAD v4.1: 46,260 of 398,502 alleles (12%); highest among the groups gnomAD compares: Non-Finnish European, 13%; 2,918 homozygotes.

Submission:

PreventionGenetics, part of Exact Sciences
Classification: Benign for MIAT-related condition. Last evaluated: 2019-08-14. Review status: no assertion criteria provided. Collection method: clinical testing. Allele origin: germline.
Comment: This variant is classified as benign based on ACMG/AMP sequence variant interpretation guidelines (Richards et al. 2015 PMID: 25741868, with internal and published modifications).

NR_033320.3(MIAT):n.952G>A

Gene: MIAT (myocardial infarction associated transcript; plus strand). Cytogenetic location: 22q12.1.
Variant type: single nucleotide variant.
Molecular consequence: non-coding transcript variant (on NR_033320.3).
Genome position: GRCh38 VCF-style: chr22-26666332-G-A. GRCh37 (hg19) VCF-style: chr22-27062296-G-A.
Other names: 8813G-A.
Identifiers: ClinVar variation 2691795 (VCV002691795.2), dbSNP rs62224896, ClinGen allele CA322666021.